The following is an entry in ClinVar:

NM_001013838.3(CARMIL2):c.3663C>T (p.Gly1221=)

Gene: CARMIL2 (capping protein regulator and myosin 1 linker 2; plus strand). Cytogenetic location: 16q22.1.
Variant type: single nucleotide variant.
Coding change: c.3663C>T on transcript NM_001013838.3 (MANE Select); coding-DNA position 3663, C replaced by T.
Protein change: p.Gly1221=; no amino-acid change (glycine 1221 retained).
Molecular consequence: synonymous variant.
Genome position (GRCh38, 1-based): chr16:67,654,858, C>T. VCF-style: chr16-67654858-C-T. GRCh37 (hg19) VCF-style: chr16-67688761-C-T.
Other names: c.3555C>T, p.Gly1185= (NM_001317026.3); c.3663C>T (NM_001013838.1).
Identifiers: ClinVar variation 1577520 (VCV001577520.34), dbSNP rs181131541, ClinGen allele CA8114096.

ClinVar aggregate classification (germline): Likely benign. Review status: criteria provided, multiple submitters, no conflicts (2 of 4 stars). 4 submissions from 4 submitters: Likely benign (4). Last evaluated 2026-05-15.

Conditions:
CARMIL2-related disorder. Also called: CARMIL2-related condition.

Allele frequency attached by ClinVar (database versions not stated): gnomAD exomes 0.00012 and 0.00017; ExAC 0.00019; gnomAD 0.00042 and 0.00043; ESP Exome Variant Server 0.00047; TOPMed 0.00049; 1000 Genomes Project 0.00060; 1000 Genomes Project 30x 0.00062.
gnomAD v4.1: 250 of 1,613,574 alleles (0.015%); highest among the groups gnomAD compares: Middle Eastern, 0.23%; 1 homozygote.

Submissions (4):

PreventionGenetics, part of Exact Sciences
Classification: Likely benign for CARMIL2-related condition. Last evaluated: 2026-05-15. Review status: criteria provided, single submitter. Criteria: ACMG Guidelines, 2015. Collection method: clinical testing. Allele origin: germline.
Comment: This variant is classified as likely benign based on ACMG/AMP sequence variant interpretation guidelines (Richards et al. 2015 PMID: 25741868, with internal and published modifications).

Labcorp Genetics (formerly Invitae), Labcorp
Classification: Likely benign. Last evaluated: 2026-01-06. Review status: criteria provided, single submitter. Criteria: Invitae Variant Classification Sherloc (09022015). Collection method: clinical testing. Allele origin: germline.

Blueprint Genetics
Classification: Likely benign. Last evaluated: 2024-11-25. Review status: criteria provided, single submitter. Criteria: ACMG Guidelines, 2015. Collection method: clinical testing. Allele origin: germline.

CeGaT Center for Human Genetics Tuebingen
Classification: Likely benign. Last evaluated: 2023-02-01. Review status: criteria provided, single submitter. Criteria: CeGaT Center For Human Genetics Tuebingen Variant Classification Criteria Version 2. Collection method: clinical testing. Allele origin: germline. Affected: yes. Observed: 1 variant allele.
Comment: CARMIL2: BP4, BP7